The following is an entry in ClinVar:

NM_170707.4(LMNA):c.*43G>A

Gene: LMNA (lamin A/C; plus strand). Cytogenetic location: 1q22.
Variant type: single nucleotide variant.
Coding change: c.*43G>A on transcript NM_170707.4 (MANE Select); 43 bases downstream of the stop codon, G replaced by A.
Molecular consequence: 3 prime UTR variant. On other transcripts: intron variant (4).
Genome position (GRCh38, 1-based): chr1:156,139,149, G>A. VCF-style: chr1-156139149-G-A. GRCh37 (hg19) VCF-style: chr1-156108940-G-A.
Other names: c.*43G>A (NM_001282626.2, NM_001406983.1, NM_001406986.1 and 12 more transcripts); c.1367+47G>A (NM_001406994.1); c.1991+47G>A (NM_001406985.1); c.1433+47G>A (NM_001406990.1); c.1655+47G>A (NM_001257374.3).
Identifiers: ClinVar variation 4985767 (VCV004985767.1).
Genomic context (GRCh38, chr1:156,139,149, plus strand): 5'-AACTGCAGCATCATGTAATCTGGGACCTGCCAGGCAGGGGTGGGGGTGGAGGCTTCCTGC[G>A]TCCTCCTCACCTCATGCCCACCCCCTGCCCTGCACGTCATGGGAGGGGGCTTGAAGCCAA-3'

ClinVar aggregate classification (germline): Likely benign (1 of 4 stars; one submission).

Conditions:
LMNA-related disorder. Also called: LMNA-related disorders; LMNA-related condition; LMNA-related disease. Identifiers: MedGen CN380145.

gnomAD v4.1: 44 of 1,612,876 alleles (0.0027%); highest among the groups gnomAD compares: East Asian, 0.0067%; no homozygotes.

Submission:

PreventionGenetics, part of Exact Sciences
Classification: Likely benign for LMNA-related condition. Last evaluated: 2026-01-07. Review status: criteria provided, single submitter. Criteria: ACMG Guidelines, 2015. Collection method: clinical testing. Allele origin: germline.
Comment: This variant is classified as likely benign based on ACMG/AMP sequence variant interpretation guidelines (Richards et al. 2015 PMID: 25741868, with internal and published modifications).